The following is an entry in ClinVar:

NM_000219.6(KCNE1):c.145A>G (p.Met49Val)

Gene: KCNE1 (potassium voltage-gated channel subfamily E regulatory subunit 1; minus strand). Cytogenetic location: 21q22.12.
Variant type: single nucleotide variant.
Coding change: c.145A>G on transcript NM_000219.6 (MANE Select); coding-DNA position 145, A replaced by G.
Protein change: p.Met49Val; replaces methionine 49 with valine.
Molecular consequence: missense variant.
Genome position (GRCh38, 1-based): chr21:34,449,490, T>C on the plus strand (A>G on the coding strand, the complement: KCNE1 is on the minus strand). VCF-style: chr21-34449490-T-C. GRCh37 (hg19) VCF-style: chr21-35821788-T-C.
Other names: c.145A>G, p.Met49Val (NM_001127668.4, NM_001127669.4, NM_001127670.4 and 4 more transcripts); short protein forms M49V.
Identifiers: ClinVar variation 3374164 (VCV003374164.2).
Genomic context (GRCh38, chr21:34,449,490, plus strand): 5'-TGGAGCGGATGTAGCTCAGCATGATGCCCAGGGTGAAGAAGCCGAAGAATCCCAGTACCA[T>C]GAGGACGTAGAGGGCCTCCAGCTTGCCGTCACTGCTGCGGGGGGACCTGCGGGCCAGGCC-3'
Protein context (NP_000210.2, residues 39-59): DGKLEALYVL[Met49Val]VLGFFGFFTL

Conditions:
Long QT syndrome 5 (LQT5). Identifiers: Orphanet 101016, Orphanet 768, MedGen C1867904, MONDO:0013372, OMIM 613695.

Submission:

Roden Lab, Vanderbilt University Medical Center
No classification provided (evidence only). Condition: Long QT syndrome 5. Review status: no classification provided. Collection method: in vitro. Allele origin: not applicable. Functional consequence: Effect on ion channel function.
ClinVar note: "not provided" was previously submitted as the classification for the variant. However, the classification appeared to be based only on an observation of functional data so it was converted to no classification on 2025-07-30.